The following is an entry in ClinVar:

NM_012193.4(FZD4):c.1291G>A (p.Glu431Lys)

Genes: FZD4 (frizzled class receptor 4; minus strand), PRSS23 (serine protease 23; plus strand). Cytogenetic location: 11q14.2.
Variant type: single nucleotide variant.
Coding change: c.1291G>A on transcript NM_012193.4 (MANE Select); coding-DNA position 1291, G replaced by A.
Protein change: p.Glu431Lys; replaces glutamic acid 431 with lysine.
Molecular consequence: missense variant. On other transcripts: non-coding transcript variant (2).
Genome position (GRCh38, 1-based): chr11:86,951,465, C>T on the plus strand (G>A on the coding strand, the complement: FZD4 is on the minus strand). VCF-style: chr11-86951465-C-T. GRCh37 (hg19) VCF-style: chr11-86662507-C-T.
Other names: short protein forms E431K.
Identifiers: ClinVar variation 4718526 (VCV004718526.1).

ClinVar aggregate classification (germline): Uncertain significance (1 of 4 stars; one submission).

Submission:

Labcorp Genetics (formerly Invitae), Labcorp
Classification: Uncertain significance. Last evaluated: 2025-11-27. Review status: criteria provided, single submitter. Criteria: Invitae Variant Classification Sherloc (09022015). Collection method: clinical testing. Allele origin: germline.
Comment: This sequence change replaces glutamic acid, which is acidic and polar, with lysine, which is basic and polar, at codon 431 of the FZD4 protein (p.Glu431Lys). This variant is not present in population databases (gnomAD no frequency). This variant has not been reported in the literature in individuals affected with FZD4-related conditions. Invitae Evidence Modeling of protein sequence and biophysical properties (such as structural, functional, and spatial information, amino acid conservation, physicochemical variation, residue mobility, and thermodynamic stability) indicates that this missense variant is not expected to disrupt FZD4 protein function with a negative predictive value of 80%. In summary, the available evidence is currently insufficient to determine the role of this variant in disease. Therefore, it has been classified as a Variant of Uncertain Significance.